The following is an entry in ClinVar:

ClinVar aggregate classification (germline): Conflicting classifications of pathogenicity. Review status: criteria provided, conflicting classifications (1 of 4 stars). 3 submissions from 3 submitters: Uncertain significance (1); Likely benign (1). 1 of the submissions does not count toward it. Last evaluated 2025-08-29.

Conditions:
Inborn genetic diseases. Identifiers: MedGen C0950123, MeSH D030342.
CNOT1-related disorder. Also called: CNOT1-related condition.

Allele frequency attached by ClinVar (database versions not stated): TOPMed 0.00007; gnomAD exomes 0.00009; ESP Exome Variant Server 0.00008; 1000 Genomes Project 0.00040; gnomAD 0.00006; 1000 Genomes Project 30x 0.00031; ExAC 0.00010.
gnomAD v4.1: 140 of 1,614,006 alleles (0.0087%); highest among the groups gnomAD compares: Non-Finnish European, 0.01%; no homozygotes.

Submissions (3):

Labcorp Genetics (formerly Invitae), Labcorp
Classification: Uncertain significance. Last evaluated: 2025-08-29. Review status: criteria provided, single submitter. Criteria: Invitae Variant Classification Sherloc (09022015). Collection method: clinical testing. Allele origin: germline.
Comment: This sequence change replaces isoleucine, which is neutral and non-polar, with valine, which is neutral and non-polar, at codon 509 of the CNOT1 protein (p.Ile509Val). This variant is present in population databases (rs112226008, gnomAD 0.01%). This variant has not been reported in the literature in individuals affected with CNOT1-related conditions. ClinVar contains an entry for this variant (Variation ID: 2706191). An algorithm developed to predict the effect of missense changes on protein structure and function (PolyPhen-2) suggests that this variant is likely to be tolerated. In summary, the available evidence is currently insufficient to determine the role of this variant in disease. Therefore, it has been classified as a Variant of Uncertain Significance.

Ambry Genetics
Classification: Likely benign for Inborn genetic diseases. Last evaluated: 2023-12-01. Review status: criteria provided, single submitter. Criteria: Ambry Variant Classification Scheme 2023. Collection method: clinical testing. Allele origin: germline.

PreventionGenetics, part of Exact Sciences
Classification: Likely benign for CNOT1-related condition. Last evaluated: 2021-07-13. Review status: no assertion criteria provided. Collection method: clinical testing. Allele origin: germline. Not counted in ClinVar's aggregate classification.
Comment: This variant is classified as likely benign based on ACMG/AMP sequence variant interpretation guidelines (Richards et al. 2015 PMID: 25741868, with internal and published modifications).

NM_016284.5(CNOT1):c.1525A>G (p.Ile509Val)

Gene: CNOT1 (CCR4-NOT transcription complex subunit 1; minus strand). Cytogenetic location: 16q21.
Variant type: single nucleotide variant.
Coding change: c.1525A>G on transcript NM_016284.5 (MANE Select); coding-DNA position 1525, A replaced by G.
Protein change: p.Ile509Val; replaces isoleucine 509 with valine.
Molecular consequence: missense variant. On other transcripts: non-coding transcript variant (1).
Genome position (GRCh38, 1-based): chr16:58,578,758, T>C on the plus strand (A>G on the coding strand, the complement: CNOT1 is on the minus strand). VCF-style: chr16-58578758-T-C. GRCh37 (hg19) VCF-style: chr16-58612662-T-C.
Other names: c.1525A>G (NM_016284.4, NM_016284.3); c.1525A>G, p.Ile509Val (NM_001265612.2, NM_206999.3); short protein forms I509V.
Identifiers: ClinVar variation 2706191 (VCV002706191.6), dbSNP rs112226008, ClinGen allele CA8089907.